The following is an entry in ClinVar:

ClinVar aggregate classification (germline): Uncertain significance (1 of 4 stars; one submission).

Allele frequency attached by ClinVar (database versions not stated): gnomAD 0.00001; gnomAD exomes 0.00001.
gnomAD v4.1: 4 of 1,613,848 alleles (0.00025%); highest among the groups gnomAD compares: Non-Finnish European, 0.00034%; no homozygotes.

Submission:

Labcorp Genetics (formerly Invitae), Labcorp
Classification: Uncertain significance. Last evaluated: 2023-07-17. Review status: criteria provided, single submitter. Criteria: Invitae Variant Classification Sherloc (09022015). Collection method: clinical testing. Allele origin: germline.
Comment: In summary, the available evidence is currently insufficient to determine the role of this variant in disease. Therefore, it has been classified as a Variant of Uncertain Significance. Advanced modeling of protein sequence and biophysical properties (such as structural, functional, and spatial information, amino acid conservation, physicochemical variation, residue mobility, and thermodynamic stability) has been performed at Invitae for this missense variant, however the output from this modeling did not meet the statistical confidence thresholds required to predict the impact of this variant on CDK13 protein function. This variant has not been reported in the literature in individuals affected with CDK13-related conditions. This variant is present in population databases (no rsID available, gnomAD 0.007%). This sequence change replaces glutamic acid, which is acidic and polar, with glycine, which is neutral and non-polar, at codon 888 of the CDK13 protein (p.Glu888Gly).

NM_003718.5(CDK13):c.2663A>G (p.Glu888Gly)

Gene: CDK13 (cyclin dependent kinase 13; plus strand). Cytogenetic location: 7p14.1.
Variant type: single nucleotide variant.
Coding change: c.2663A>G on transcript NM_003718.5 (MANE Select); coding-DNA position 2663, A replaced by G.
Protein change: p.Glu888Gly; replaces glutamic acid 888 with glycine.
Molecular consequence: missense variant.
Genome position (GRCh38, 1-based): chr7:40,062,888, A>G. VCF-style: chr7-40062888-A-G. GRCh37 (hg19) VCF-style: chr7-40102487-A-G.
Other names: c.2663A>G, p.Glu888Gly (NM_031267.4); short protein forms E888G.
Identifiers: ClinVar variation 2776063 (VCV002776063.3), dbSNP rs1234368404, ClinGen allele CA367285703.
Genomic context (GRCh38, chr7:40,062,888, plus strand): 5'-GGCCGTATACTAACAAGGTAATTACTTTATGGTACCGTCCACCTGAACTGCTACTGGGAG[A>G]AGAACGATACACACCAGCCATTGATGTATGGAGCTGTGGGTAAGATAGCCTTATTTACTG-3'
Protein context (NP_003709.3, residues 878-898): WYRPPELLLG[Glu888Gly]ERYTPAIDVW